The following is an entry in ClinVar:

NM_003151.4(STAT4):c.133G>A (p.Ala45Thr)

Gene: STAT4 (signal transducer and activator of transcription 4; minus strand). Cytogenetic location: 2q32.3.
Variant type: single nucleotide variant.
Coding change: c.133G>A on transcript NM_003151.4 (MANE Select); coding-DNA position 133, G replaced by A.
Protein change: p.Ala45Thr; replaces alanine 45 with threonine.
Molecular consequence: missense variant.
Genome position (GRCh38, 1-based): chr2:191,146,753, C>T on the plus strand (G>A on the coding strand, the complement: STAT4 is on the minus strand). VCF-style: chr2-191146753-C-T. GRCh37 (hg19) VCF-style: chr2-192011479-C-T.
Other names: c.133G>A, p.Ala45Thr (NM_001243835.2); short protein forms A45T.
Identifiers: ClinVar variation 1935055 (VCV001935055.5), dbSNP rs2471010215, ClinGen allele CA350002693.

ClinVar aggregate classification (germline): Uncertain significance (1 of 4 stars; one submission).

gnomAD v4.1: 12 of 1,533,656 alleles (0.00078%); highest among the groups gnomAD compares: Non-Finnish European, 0.001%; no homozygotes.

Submission:

Labcorp Genetics (formerly Invitae), Labcorp
Classification: Uncertain significance. Last evaluated: 2024-09-05. Review status: criteria provided, single submitter. Criteria: Invitae Variant Classification Sherloc (09022015). Collection method: clinical testing. Allele origin: germline.
Comment: This sequence change replaces alanine, which is neutral and non-polar, with threonine, which is neutral and polar, at codon 45 of the STAT4 protein (p.Ala45Thr). This variant is not present in population databases (gnomAD no frequency). This variant has not been reported in the literature in individuals affected with STAT4-related conditions. ClinVar contains an entry for this variant (Variation ID: 1935055). Invitae Evidence Modeling of protein sequence and biophysical properties (such as structural, functional, and spatial information, amino acid conservation, physicochemical variation, residue mobility, and thermodynamic stability) indicates that this missense variant is not expected to disrupt STAT4 protein function with a negative predictive value of 80%. In summary, the available evidence is currently insufficient to determine the role of this variant in disease. Therefore, it has been classified as a Variant of Uncertain Significance.